The following is an entry in ClinVar:

NM_000541.5(SAG):c.448G>A (p.Asp150Asn)

Gene: SAG (S-antigen visual arrestin; plus strand). Cytogenetic location: 2q37.1.
Variant type: single nucleotide variant.
Coding change: c.448G>A on transcript NM_000541.5 (MANE Select); coding-DNA position 448, G replaced by A.
Protein change: p.Asp150Asn; replaces aspartic acid 150 with asparagine.
Molecular consequence: missense variant.
Genome position (GRCh38, 1-based): chr2:233,327,133, G>A. VCF-style: chr2-233327133-G-A. GRCh37 (hg19) VCF-style: chr2-234235779-G-A.
Other names: short protein forms D150N.
Identifiers: ClinVar variation 3665028 (VCV003665028.2).

ClinVar aggregate classification (germline): Uncertain significance (1 of 4 stars; one submission).

gnomAD v4.1: 1 of 1,613,748 alleles (0.000062%); no homozygotes.

Submission:

Labcorp Genetics (formerly Invitae), Labcorp
Classification: Uncertain significance. Last evaluated: 2024-12-12. Review status: criteria provided, single submitter. Criteria: Invitae Variant Classification Sherloc (09022015). Collection method: clinical testing. Allele origin: germline.
Comment: This sequence change replaces aspartic acid, which is acidic and polar, with asparagine, which is neutral and polar, at codon 150 of the SAG protein (p.Asp150Asn). This variant is not present in population databases (gnomAD no frequency). This variant has not been reported in the literature in individuals affected with SAG-related conditions. Invitae Evidence Modeling of protein sequence and biophysical properties (such as structural, functional, and spatial information, amino acid conservation, physicochemical variation, residue mobility, and thermodynamic stability) indicates that this missense variant is not expected to disrupt SAG protein function with a negative predictive value of 80%. In summary, the available evidence is currently insufficient to determine the role of this variant in disease. Therefore, it has been classified as a Variant of Uncertain Significance.